The following is an entry in ClinVar:

NM_015450.3(POT1):c.1210G>A (p.Gly404Ser)

Gene: POT1 (protection of telomeres 1; minus strand). Cytogenetic location: 7q31.33.
Variant type: single nucleotide variant.
Coding change: c.1210G>A on transcript NM_015450.3 (MANE Select); coding-DNA position 1210, G replaced by A.
Protein change: p.Gly404Ser; replaces glycine 404 with serine.
Molecular consequence: missense variant. On other transcripts: non-coding transcript variant (3).
Genome position (GRCh38, 1-based): chr7:124,841,132, C>T on the plus strand (G>A on the coding strand, the complement: POT1 is on the minus strand). VCF-style: chr7-124841132-C-T. GRCh37 (hg19) VCF-style: chr7-124481186-C-T.
Other names: c.817G>A, p.Gly273Ser (NM_001042594.2); short protein forms G273S, G404S.
Identifiers: ClinVar variation 1750345 (VCV001750345.2), dbSNP rs2485395331, ClinGen allele CA369067605.

ClinVar aggregate classification (germline): Uncertain significance (1 of 4 stars; one submission).

Conditions:
Hereditary cancer-predisposing syndrome. Also called: Hereditary Cancer Syndrome; Hereditary neoplastic syndrome; Neoplastic Syndromes, Hereditary; Tumor predisposition. Identifiers: Orphanet 140162, MedGen C0027672, MeSH D009386, MONDO:0015356.

Submission:

Ambry Genetics
Classification: Uncertain significance for Hereditary cancer-predisposing syndrome. Last evaluated: 2022-08-16. Review status: criteria provided, single submitter. Criteria: Ambry Variant Classification Scheme 2023. Collection method: clinical testing. Allele origin: germline.
Comment: The p.G404S variant (also known as c.1210G>A), located in coding exon 10 of the POT1 gene, results from a G to A substitution at nucleotide position 1210. The glycine at codon 404 is replaced by serine, an amino acid with similar properties. This amino acid position is conserved. In addition, this alteration is predicted to be tolerated by in silico analysis. Since supporting evidence is limited at this time, the clinical significance of this alteration remains unclear.